The following is an entry in ClinVar:

NM_001297595.2(SIN3B):c.43G>C (p.Gly15Arg)

Gene: SIN3B (SIN3 transcription regulator family member B; plus strand). Cytogenetic location: 19p13.11.
Variant type: single nucleotide variant.
Coding change: c.43G>C on transcript NM_001297595.2 (MANE Select); coding-DNA position 43, G replaced by C.
Protein change: p.Gly15Arg; replaces glycine 15 with arginine.
Molecular consequence: missense variant.
Genome position (GRCh38, 1-based): chr19:16,829,463, G>C. VCF-style: chr19-16829463-G-C. GRCh37 (hg19) VCF-style: chr19-16940274-G-C.
Other names: c.43G>C, p.Gly15Arg (NM_015260.4); short protein forms G15R.
Identifiers: ClinVar variation 3251109 (VCV003251109.18), dbSNP rs2513021741.

ClinVar aggregate classification (germline): Uncertain significance (1 of 4 stars; one submission).

Allele frequency attached by ClinVar (database versions not stated): gnomAD exomes below 0.00001.
gnomAD v4.1: 1 of 1,216,514 alleles (0.000082%); highest among the groups gnomAD compares: Admixed American, 0.0043%; no homozygotes.

Submission:

CeGaT Center for Human Genetics Tuebingen
Classification: Uncertain significance. Last evaluated: 2024-06-01. Review status: criteria provided, single submitter. Criteria: CeGaT Center For Human Genetics Tuebingen Variant Classification Criteria Version 2. Collection method: clinical testing. Allele origin: germline. Affected: yes. Observed: 1 variant allele.
Comment: SIN3B: PM2